The following is an entry in ClinVar:

NM_005431.2(XRCC2):c.582G>A (p.Thr194=)

Gene: XRCC2 (X-ray repair cross complementing 2; minus strand). Cytogenetic location: 7q36.1.
Variant type: single nucleotide variant.
Coding change: c.582G>A on transcript NM_005431.2 (MANE Select); coding-DNA position 582, G replaced by A.
Protein change: p.Thr194=; no amino-acid change (threonine 194 retained).
Molecular consequence: synonymous variant.
Genome position (GRCh38, 1-based): chr7:152,648,903, C>T on the plus strand (G>A on the coding strand, the complement: XRCC2 is on the minus strand). VCF-style: chr7-152648903-C-T. GRCh37 (hg19) VCF-style: chr7-152345988-C-T.
Identifiers: ClinVar variation 384533 (VCV000384533.16), dbSNP rs769829135, ClinGen allele CA4582326.

ClinVar aggregate classification (germline): Likely benign. Review status: criteria provided, multiple submitters, no conflicts (2 of 4 stars). 5 submissions from 5 submitters: Likely benign (5). Last evaluated 2024-10-02.

Conditions:
Hereditary cancer-predisposing syndrome. Also called: Hereditary Cancer Syndrome; Hereditary neoplastic syndrome; Neoplastic Syndromes, Hereditary; Tumor predisposition. Identifiers: Orphanet 140162, MedGen C0027672, MeSH D009386, MONDO:0015356.

Allele frequency attached by ClinVar (database versions not stated): gnomAD 0.00001 and 0.00002; ExAC 0.00002; gnomAD exomes 0.00002; TOPMed 0.00003.
gnomAD v4.1: 25 of 1,613,936 alleles (0.0015%); highest among the groups gnomAD compares: South Asian, 0.0022%; no homozygotes.

Submissions (5):

Labcorp Genetics (formerly Invitae), Labcorp
Classification: Likely benign. Last evaluated: 2024-10-02. Review status: criteria provided, single submitter. Criteria: Invitae Variant Classification Sherloc (09022015). Collection method: clinical testing. Allele origin: germline.

Quest Diagnostics Nichols Institute San Juan Capistrano
Classification: Likely benign. Last evaluated: 2023-02-06. Review status: criteria provided, single submitter. Criteria: Quest Diagnostics criteria. Collection method: clinical testing. Allele origin: unknown.

Genetic Services Laboratory, University of Chicago
Classification: Likely benign. Last evaluated: 2020-06-16. Review status: criteria provided, single submitter. Criteria: ACMG Guidelines, 2015. Collection method: clinical testing. Allele origin: germline. Affected: no.

Ambry Genetics
Classification: Likely benign for Hereditary cancer-predisposing syndrome. Last evaluated: 2017-08-07. Review status: criteria provided, single submitter. Criteria: Ambry Variant Classification Scheme 2023. Collection method: clinical testing. Allele origin: germline.

GeneDx
Classification: Likely benign. Last evaluated: 2016-03-07. Review status: criteria provided, single submitter. Criteria: GeneDx Variant Classification (06012015). Collection method: clinical testing. Allele origin: germline. Affected: yes.
Comment: This variant is considered likely benign or benign based on one or more of the following criteria: it is a conservative change, it occurs at a poorly conserved position in the protein, it is predicted to be benign by multiple in silico algorithms, and/or has population frequency not consistent with disease.